The following is an entry in ClinVar:

NM_001042492.3(NF1):c.1954C>T (p.Arg652Cys)

Genes: NF1 (neurofibromin 1; plus strand), LOC106113036 (NF1-REPa PRS1 recombination region; plus strand). Cytogenetic location: 17q11.2.
Variant type: single nucleotide variant.
Coding change: c.1954C>T on transcript NM_001042492.3 (MANE Select); coding-DNA position 1954, C replaced by T.
Protein change: p.Arg652Cys; replaces arginine 652 with cysteine.
Molecular consequence: missense variant.
Genome position (GRCh38, 1-based): chr17:31,225,203, C>T. VCF-style: chr17-31225203-C-T. GRCh37 (hg19) VCF-style: chr17-29552221-C-T.
Other names: R318C; c.1954C>T, p.Arg652Cys (NM_000267.4); short protein forms R652C.
Identifiers: ClinVar variation 185762 (VCV000185762.16), dbSNP rs786202436, ClinGen allele CA192854.

ClinVar aggregate classification (germline): Conflicting classifications of pathogenicity. Review status: criteria provided, conflicting classifications (1 of 4 stars). 5 submissions from 4 submitters: Uncertain significance (3); Benign (2). Last evaluated 2024-09-26.

Conditions:
Hereditary cancer-predisposing syndrome. Also called: Hereditary Cancer Syndrome; Neoplastic Syndromes, Hereditary; Tumor predisposition; Hereditary neoplastic syndrome. Identifiers: Orphanet 140162, MedGen C0027672, MeSH D009386, MONDO:0015356.
Cardiovascular phenotype. Identifiers: MedGen CN230736.
Neurofibromatosis, type 1 (NF1). Also called: NEUROFIBROMATOSIS, TYPE I, SOMATIC; VON RECKLINGHAUSEN DISEASE; Peripheral type neurofibromatosis; Neurofibromatosis, type I. Identifiers: Orphanet 636, MedGen C0027831, MONDO:0018975, OMIM 162200. Disease mechanism: loss of function.

Allele frequency attached by ClinVar (database versions not stated): gnomAD exomes below 0.00001; TOPMed below 0.00001.
gnomAD v4.1: 5 of 1,613,734 alleles (0.00031%); highest among the groups gnomAD compares: Middle Eastern, 0.017%; no homozygotes.

Submissions (5):

Labcorp Genetics (formerly Invitae), Labcorp
Classification: Benign for Neurofibromatosis, type 1. Last evaluated: 2024-09-26. Review status: criteria provided, single submitter. Criteria: Invitae Variant Classification Sherloc (09022015). Collection method: clinical testing. Allele origin: germline.

Ambry Genetics
Classification: Uncertain significance for Cardiovascular phenotype; Hereditary cancer-predisposing syndrome. Last evaluated: 2022-11-18. Review status: criteria provided, single submitter. Criteria: Ambry Variant Classification Scheme 2023. Collection method: clinical testing. Allele origin: germline.

Genome-Nilou Lab
Classification: Uncertain significance for Neurofibromatosis, type 1. Last evaluated: 2022-03-15. Review status: criteria provided, single submitter. Criteria: ACMG Guidelines, 2015. Collection method: clinical testing. Allele origin: germline. Affected: no.

Ambry Genetics
Classification: Uncertain significance for Hereditary cancer-predisposing syndrome. Last evaluated: 2014-07-30. Review status: criteria provided, single submitter. Criteria: Ambry Autosomal Dominant and X-Linked criteria (10/2015). Collection method: clinical testing. Allele origin: germline. Observed: 1 variant allele.
Comment: The p.R652C variant (also known as c.1954C>T), located in coding exon 17 of the NF1 gene, results from a C to T substitution at nucleotide position 1954. The arginine at codon 652 is replaced by cysteine, an amino acid with highly dissimilar properties. This variant was not reported in population based cohorts in the following databases: Database of Single Nucleotide Polymorphisms (dbSNP), NHLBI Exome Sequencing Project (ESP), and 1000 Genomes Project. In the ESP, this variant was not observed in 6503 samples (13006 alleles) with coverage at this position. To date, this alteration has been detected with an allele frequency of approximately 0.01% (greater than 11000 alleles tested) in our clinical cohort. This amino acid position is highly conserved in available vertebrate species. In addition, this alteration is predicted to be probably damaging and tolerated by PolyPhen and SIFT in silico analyses, respectively. Since supporting evidence is limited at this time, the clinical significance of p.R652C remains unclear.

Pediatric/Medical Genetics, Ministry of Health, Qatif Central Hospital
Classification: Benign for Neurofibromatosis, type 1. Review status: criteria provided, single submitter. Criteria: ACMG Guidelines, 2015. Collection method: clinical testing. Allele origin: germline. Inheritance: Autosomal dominant inheritance. Affected: no. Observed: 1 heterozygote.